The following is an entry in ClinVar:

ClinVar aggregate classification (germline): Uncertain significance. Review status: criteria provided, multiple submitters, no conflicts (2 of 4 stars). 2 submissions from 2 submitters: Uncertain significance (2). Last evaluated 2024-03-25.

gnomAD v4.1: 28 of 1,611,836 alleles (0.0017%); highest among the groups gnomAD compares: Non-Finnish European, 0.0022%; no homozygotes.

Submissions (2):

GeneDx
Classification: Uncertain significance. Last evaluated: 2024-03-25. Review status: criteria provided, single submitter. Criteria: GeneDx Variant Classification Process June 2021. Collection method: clinical testing. Allele origin: germline. Affected: yes.
Comment: Not observed at significant frequency in large population cohorts (gnomAD); In silico analysis supports that this missense variant has a deleterious effect on protein structure/function; Has not been previously published as pathogenic or benign to our knowledge

Athena Diagnostics
Classification: Uncertain significance. Last evaluated: 2022-07-25. Review status: criteria provided, single submitter. Criteria: Athena Diagnostics Criteria. Collection method: clinical testing. Allele origin: unknown.

NM_000435.3(NOTCH3):c.6035C>G (p.Ala2012Gly)

Gene: NOTCH3 (notch receptor 3; minus strand). Cytogenetic location: 19p13.12.
Variant type: single nucleotide variant.
Coding change: c.6035C>G on transcript NM_000435.3 (MANE Select); coding-DNA position 6035, C replaced by G.
Protein change: p.Ala2012Gly; replaces alanine 2012 with glycine.
Molecular consequence: missense variant.
Genome position (GRCh38, 1-based): chr19:15,161,593, G>C on the plus strand (C>G on the coding strand, the complement: NOTCH3 is on the minus strand). VCF-style: chr19-15161593-G-C. GRCh37 (hg19) VCF-style: chr19-15272404-G-C.
Other names: short protein forms A2012G.
Identifiers: ClinVar variation 1807400 (VCV001807400.2), dbSNP rs1426118686, ClinGen allele CA404490727.
Genomic context (GRCh38, chr19:15,161,593, plus strand): 5'-CTGCGGGGCCCACTGGGTTGATCCAGCAAGCGCACGATGTCCTGGTGCAGTCTCTCCTGG[G>C]CTACGTCCCGCGGCAGCCTGTCCAGGTGGTCGGTGATCTCACGGTTGGCAAAGTGGTCCA-3'
Protein context (NP_000426.2, residues 2002-2022): DHLDRLPRDV[Ala2012Gly]QERLHQDIVR